The following is an entry in ClinVar:

ClinVar aggregate classification (germline): Pathogenic (1 of 4 stars; one submission).

Submission:

Labcorp Genetics (formerly Invitae), Labcorp
Classification: Pathogenic. Last evaluated: 2023-10-22. Review status: criteria provided, single submitter. Criteria: Invitae Variant Classification Sherloc (09022015). Collection method: clinical testing. Allele origin: germline.
Comment: This sequence change creates a premature translational stop signal (p.Cys974*) in the LRP2 gene. It is expected to result in an absent or disrupted protein product. Loss-of-function variants in LRP2 are known to be pathogenic (PMID: 17632512, 25682901). This variant is not present in population databases (gnomAD no frequency). This variant has not been reported in the literature in individuals affected with LRP2-related conditions. For these reasons, this variant has been classified as Pathogenic.

Literature cited by the submitters: PubMed 17632512; PubMed 25682901.

NM_004525.3(LRP2):c.2922T>A (p.Cys974Ter)

Gene: LRP2 (LDL receptor related protein 2; minus strand). Cytogenetic location: 2q31.1.
Variant type: single nucleotide variant.
Coding change: c.2922T>A on transcript NM_004525.3 (MANE Select); coding-DNA position 2922, T replaced by A.
Protein change: p.Cys974Ter; replaces cysteine 974 with a stop codon.
Molecular consequence: nonsense.
Genome position (GRCh38, 1-based): chr2:169,246,973, A>T on the plus strand (T>A on the coding strand, the complement: LRP2 is on the minus strand). VCF-style: chr2-169246973-A-T. GRCh37 (hg19) VCF-style: chr2-170103483-A-T.
Other names: short protein forms C974*.
Identifiers: ClinVar variation 2770982 (VCV002770982.3), dbSNP rs2528399077, ClinGen allele CA349153760.